The following is an entry in ClinVar:

NM_003587.5(DHX16):c.73C>T (p.His25Tyr)

Gene: DHX16 (DEAH-box helicase 16; minus strand). Cytogenetic location: 6p21.33.
Variant type: single nucleotide variant.
Coding change: c.73C>T on transcript NM_003587.5 (MANE Select); coding-DNA position 73, C replaced by T.
Protein change: p.His25Tyr; replaces histidine 25 with tyrosine.
Molecular consequence: missense variant. On other transcripts: 5 prime UTR variant (1), intron variant (1).
Genome position (GRCh38, 1-based): chr6:30,672,769, G>A on the plus strand (C>T on the coding strand, the complement: DHX16 is on the minus strand). VCF-style: chr6-30672769-G-A. GRCh37 (hg19) VCF-style: chr6-30640546-G-A.
Other names: c.-2047C>T (NM_001363515.2); c.27+187C>T (NM_001164239.2); short protein forms H25Y.
Identifiers: ClinVar variation 5003082 (VCV005003082.1).

ClinVar aggregate classification (germline): Uncertain significance (1 of 4 stars; one submission).

Submission:

OLLIN Analises Genomicas, OLLIN
Classification: Uncertain significance. Last evaluated: 2026-08-06. Review status: criteria provided, single submitter. Criteria: ACMG Guidelines 2015 PMID 25741868. Collection method: clinical testing. Allele origin: germline.
Comment: This missense variant, located in exon 1 (of 20), is absent from gnomAD and ClinVar and has not been identified in the literature. In silico analysis predicts that this variant has a tolerated effect. This gene is constrained for missense variation. According to the currently available evidence, this variant has been classified as uncertain significance (PM2_P, PP2, BP4_M).